The following is an entry in ClinVar:

ClinVar aggregate classification (germline): Uncertain significance. Review status: criteria provided, single submitter (1 of 4 stars). 2 submissions from 2 submitters: Uncertain significance (1). 1 of the submissions does not count toward it. Last evaluated 2023-12-21.

Conditions:
RAI1-related disorder. Also called: RAI1-related condition.

Allele frequency attached by ClinVar (database versions not stated): gnomAD 0.00001; gnomAD exomes 0.00001 and 0.00002; ExAC 0.00003; TOPMed 0.00003.
gnomAD v4.1: 10 of 1,612,100 alleles (0.00062%); highest among the groups gnomAD compares: South Asian, 0.0044%; no homozygotes.

Submissions (2):

Labcorp Genetics (formerly Invitae), Labcorp
Classification: Uncertain significance. Last evaluated: 2023-12-21. Review status: criteria provided, single submitter. Criteria: Invitae Variant Classification Sherloc (09022015). Collection method: clinical testing. Allele origin: germline.
Comment: This sequence change replaces serine, which is neutral and polar, with leucine, which is neutral and non-polar, at codon 1226 of the RAI1 protein (p.Ser1226Leu). This variant is present in population databases (rs781496768, gnomAD 0.007%). This variant has not been reported in the literature in individuals affected with RAI1-related conditions. ClinVar contains an entry for this variant (Variation ID: 1448568). Advanced modeling of protein sequence and biophysical properties (such as structural, functional, and spatial information, amino acid conservation, physicochemical variation, residue mobility, and thermodynamic stability) has been performed at Invitae for this missense variant, however the output from this modeling did not meet the statistical confidence thresholds required to predict the impact of this variant on RAI1 protein function. In summary, the available evidence is currently insufficient to determine the role of this variant in disease. Therefore, it has been classified as a Variant of Uncertain Significance.

PreventionGenetics, part of Exact Sciences
Classification: Uncertain significance for RAI1-related condition. Last evaluated: 2024-08-07. Review status: no assertion criteria provided. Collection method: clinical testing. Allele origin: germline. Not counted in ClinVar's aggregate classification.
Comment: The RAI1 c.3677C>T variant is predicted to result in the amino acid substitution p.Ser1226Leu. To our knowledge, this variant has not been reported in the literature. This variant is reported in 0.0065% of alleles in individuals of South Asian descent in gnomAD. At this time, the clinical significance of this variant is uncertain due to the absence of conclusive functional and genetic evidence.

NM_030665.4(RAI1):c.3677C>T (p.Ser1226Leu)

Gene: RAI1 (retinoic acid induced 1; plus strand). Cytogenetic location: 17p11.2.
Variant type: single nucleotide variant.
Coding change: c.3677C>T on transcript NM_030665.4 (MANE Select); coding-DNA position 3677, C replaced by T.
Protein change: p.Ser1226Leu; replaces serine 1226 with leucine.
Molecular consequence: missense variant.
Genome position (GRCh38, 1-based): chr17:17,796,625, C>T. VCF-style: chr17-17796625-C-T. GRCh37 (hg19) VCF-style: chr17-17699939-C-T.
Other names: c.3677C>T (NM_030665.3); short protein forms S1226L.
Identifiers: ClinVar variation 1448568 (VCV001448568.9), dbSNP rs781496768, ClinGen allele CA8418777.